The following is an entry in ClinVar:

NM_005477.3(HCN4):c.2824T>G (p.Ser942Ala)

Gene: HCN4 (hyperpolarization activated cyclic nucleotide gated potassium channel 4; minus strand). Cytogenetic location: 15q24.1.
Variant type: single nucleotide variant.
Coding change: c.2824T>G on transcript NM_005477.3 (MANE Select); coding-DNA position 2824, T replaced by G.
Protein change: p.Ser942Ala; replaces serine 942 with alanine.
Molecular consequence: missense variant.
Genome position (GRCh38, 1-based): chr15:73,323,269, A>C on the plus strand (T>G on the coding strand, the complement: HCN4 is on the minus strand). VCF-style: chr15-73323269-A-C. GRCh37 (hg19) VCF-style: chr15-73615610-A-C.
Other names: short protein forms S942A.
Identifiers: ClinVar variation 3524328 (VCV003524328.1).

ClinVar aggregate classification (germline): Uncertain significance (1 of 4 stars; one submission).

Conditions:
Cardiovascular phenotype. Identifiers: MedGen CN230736.

Submission:

Ambry Genetics
Classification: Uncertain significance for Cardiovascular phenotype. Last evaluated: 2024-10-28. Review status: criteria provided, single submitter. Criteria: Ambry Variant Classification Scheme 2023. Collection method: clinical testing. Allele origin: germline.
Comment: The p.S942A variant (also known as c.2824T>G), located in coding exon 8 of the HCN4 gene, results from a T to G substitution at nucleotide position 2824. The serine at codon 942 is replaced by alanine, an amino acid with similar properties. This amino acid position is conserved. In addition, this alteration is predicted to be tolerated by in silico analysis. Based on the available evidence, the clinical significance of this variant remains unclear.